The following is an entry in ClinVar:

ClinVar aggregate classification (germline): Pathogenic (1 of 4 stars; one submission).

Conditions:
Neurofibromatosis, type 1 (NF1). Also called: VON RECKLINGHAUSEN DISEASE; Neurofibromatosis, type I; Peripheral type neurofibromatosis; NEUROFIBROMATOSIS, TYPE I, SOMATIC. Identifiers: Orphanet 636, MedGen C0027831, MONDO:0018975, OMIM 162200. Disease mechanism: loss of function.

Submission:

Labcorp Genetics (formerly Invitae), Labcorp
Classification: Pathogenic for Neurofibromatosis, type 1. Last evaluated: 2020-09-12. Review status: criteria provided, single submitter. Criteria: Invitae Variant Classification Sherloc (09022015). Collection method: clinical testing. Allele origin: unknown.
Comment: This variant results in the deletion of exons 1-26 and part of exon 27 (c.-35382_3550del) of the NF1 gene, which includes the initiator codon. This is expected to result in an absent or disrupted protein product. For these reasons, this variant has been classified as Pathogenic. Loss-of-function variants in NF1 are known to be pathogenic (PMID: 10712197, 23913538). This variant has not been reported in the literature in individuals with NF1-related conditions.

Literature cited by the submitters: PubMed 10712197; PubMed 23913538.

NC_000017.10:g.(?_29386946)_(29560072_?)del

Gene: NF1 (neurofibromin 1; plus strand). Cytogenetic location: 17q11.2.
Variant type: Deletion.
Identifiers: ClinVar variation 3242902 (VCV003242902.1).